The following is an entry in ClinVar:

NM_001127222.2(CACNA1A):c.5014C>T (p.Arg1672Cys)

Gene: CACNA1A (calcium voltage-gated channel subunit alpha1 A; minus strand). Cytogenetic location: 19p13.13.
Variant type: single nucleotide variant.
Coding change: c.5014C>T on transcript NM_001127222.2 (MANE Select); coding-DNA position 5014, C replaced by T.
Protein change: p.Arg1672Cys; replaces arginine 1672 with cysteine.
Molecular consequence: missense variant.
Genome position (GRCh38, 1-based): chr19:13,235,667, G>A on the plus strand (C>T on the coding strand, the complement: CACNA1A is on the minus strand). VCF-style: chr19-13235667-G-A. GRCh37 (hg19) VCF-style: chr19-13346481-G-A.
Other names: c.5032C>T, p.Arg1678Cys (NM_000068.4, NM_023035.3); c.5017C>T, p.Arg1673Cys (NM_001127221.2); c.5023C>T, p.Arg1675Cys (NM_001174080.2); short protein forms R1673C, R1672C, R1678C, R1675C.
Identifiers: ClinVar variation 196769 (VCV000196769.11), dbSNP rs794727558, ClinGen allele CA244130.

ClinVar aggregate classification (germline): Conflicting classifications of pathogenicity. Review status: criteria provided, conflicting classifications (1 of 4 stars). 3 submissions from 3 submitters: Likely pathogenic (2); Uncertain significance (1). Last evaluated 2023-10-03.

Conditions:
Developmental and epileptic encephalopathy, 42 (DEE42A). Also called: Epileptic encephalopathy, early infantile, 42; DEVELOPMENTAL AND EPILEPTIC ENCEPHALOPATHY 42A; EPILEPTIC ENCEPHALOPATHY, EARLY INFANTILE, 42A. Identifiers: MedGen C4310716, MONDO:0014917, OMIM 617106.
Episodic ataxia type 2 (EA2). Also called: ACETAZOLAMIDE-RESPONSIVE HEREDITARY PAROXYSMAL CEREBELLAR ATAXIA; ATAXIA, EPISODIC, WITH NYSTAGMUS; ATAXIA, FAMILIAL PAROXYSMAL; CEREBELLAR ATAXIA, PAROXYSMAL, ACETAZOLAMIDE-RESPONSIVE; CEREBELLOPATHY, HEREDITARY PAROXYSMAL; EPISODIC ATAXIA, NYSTAGMUS-ASSOCIATED. Identifiers: Orphanet 97, MedGen C1720416, MONDO:0007163, OMIM 108500.

Allele frequency attached by ClinVar (database versions not stated): gnomAD exomes below 0.00001.
gnomAD v4.1: 6 of 1,613,952 alleles (0.00037%); highest among the groups gnomAD compares: South Asian, 0.0011%; no homozygotes.

Submissions (3):

Labcorp Genetics (formerly Invitae), Labcorp
Classification: Likely pathogenic for Developmental and epileptic encephalopathy, 42; Episodic ataxia type 2. Last evaluated: 2023-10-03. Review status: criteria provided, single submitter. Criteria: Invitae Variant Classification Sherloc (09022015). Collection method: clinical testing. Allele origin: germline.
Comment: This sequence change replaces arginine, which is basic and polar, with cysteine, which is neutral and slightly polar, at codon 1673 of the CACNA1A protein (p.Arg1673Cys). This variant is not present in population databases (gnomAD no frequency). This missense change has been observed in individual(s) with clinical features of CACNA1A-related conditions (PMID: 29056246). ClinVar contains an entry for this variant (Variation ID: 196769). Advanced modeling of protein sequence and biophysical properties (such as structural, functional, and spatial information, amino acid conservation, physicochemical variation, residue mobility, and thermodynamic stability) performed at Invitae indicates that this missense variant is expected to disrupt CACNA1A protein function. This variant disrupts the p.Arg1673 amino acid residue in CACNA1A. Other variant(s) that disrupt this residue have been determined to be pathogenic (PMID: 28742085, 31015257). This suggests that this residue is clinically significant, and that variants that disrupt this residue are likely to be disease-causing. In summary, the currently available evidence indicates that the variant is pathogenic, but additional data are needed to prove that conclusively. Therefore, this variant has been classified as Likely Pathogenic.

Women's Health and Genetics/Laboratory Corporation of America, LabCorp
Classification: Likely pathogenic for Developmental and epileptic encephalopathy, 42. Last evaluated: 2022-09-11. Review status: criteria provided, single submitter. Criteria: LabCorp Variant Classification Summary - May 2015. Collection method: clinical testing. Allele origin: germline.
Comment: Variant summary: CACNA1A c.5017C>T (p.Arg1673Cys) results in a non-conservative amino acid change located in the Ion transport domain (IPR005821) of the encoded protein sequence. Five of five in-silico tools predict a damaging effect of the variant on protein function. The variant was absent in 249260 control chromosomes. c.5017C>T has been reported in the literature in at-least one comprehensively genotyped individual affected with generalized convulsive epilepsy and hemiplegia who was screened on an epilepsy and seizure disorders panel of 110 genes (example, Butler_2017). These data do not allow firm conclusions about variant significance, however, a different variant, namely c.5018C>G (p.Arg1673Pro) has been reported as a de-novo occurence in an individual with global developmental delay and progressive cerebellar atrophy, with experimental evidence supporting a gain of function. This supports the critical relevance of this amino acid to overall function (Luo_2017). To our knowledge, no experimental evidence demonstrating an impact on protein function has been reported. One clinical diagnostic laboratory has submitted clinical-significance assessments for this variant to ClinVar after 2014 and classified the variant as likely pathogenic. Based on the evidence outlined above, the variant was classified as likely pathogenic.

Eurofins Ntd Llc (ga)
Classification: Uncertain significance. Last evaluated: 2014-07-03. Review status: criteria provided, single submitter. Criteria: EGL Classification Definitions 2015. Collection method: clinical testing. Allele origin: germline. Observed: 1 variant allele, 1 heterozygote.

Literature cited by the submitters: PubMed 29056246 (cited by Labcorp Genetics (formerly Invitae), Labcorp and Women's Health and Genetics/Laboratory Corporation of America, LabCorp); PubMed 28742085 (cited by Labcorp Genetics (formerly Invitae), Labcorp and Women's Health and Genetics/Laboratory Corporation of America, LabCorp); PubMed 31015257 (cited by Labcorp Genetics (formerly Invitae), Labcorp); PubMed 35600082 (cited by Women's Health and Genetics/Laboratory Corporation of America, LabCorp).